The following is an entry in ClinVar:

ClinVar aggregate classification (germline): Uncertain significance. Review status: reviewed by expert panel (3 of 4 stars). 2 submissions from 2 submitters: Uncertain significance (1). 1 of the submissions does not count toward it. Last evaluated 2025-03-06.

Conditions:
Glanzmann thrombasthenia. Also called: PLATELET GLYCOPROTEIN IIb-IIIa DEFICIENCY; Glanzmann's thrombasthenia; BLEEDING DISORDER, PLATELET-TYPE, 2; THROMBASTHENIA OF GLANZMANN AND NAEGELI; Thrombasthenia. Identifiers: Orphanet 849, MedGen C0040015, MONDO:0100326.

Allele frequency attached by ClinVar (database versions not stated): gnomAD exomes below 0.00001.
gnomAD v4.1: 1 of 1,614,226 alleles (0.000062%); highest among the groups gnomAD compares: Non-Finnish European, 0.000085%; no homozygotes.

Submissions (2):

ClinGen Platelet Disorders Variant Curation Expert Panel, ClinGen
Classification: Uncertain significance for Glanzmann thrombasthenia. Last evaluated: 2025-03-06. Review status: reviewed by expert panel. Criteria: ClinGen Platelet ACMG Specifications v2-1. Collection method: curation. Allele origin: germline. Inheritance: Autosomal recessive inheritance.
Comment: The NM_000212.3(ITGB3):c.1757G>T (p.Cys586Phe) missense variant has been reported in at least one patient (Patients HJ in PMID:9790984) who displayed mucocutaneous bleeding and impaired aggregation with all agonists except ristocetin, which is highly specific for Glanzmann thrombasthenia (PP4_moderate). Additionally, αIIbβ3 surface expression was reduced to 15.4%, as measured by flow cytometry. The computational predictor REVEL gives a score of 0.944, which is above the ClinGen PD VCEP threshold of >0.7 and predicts a damaging effect on function (PP3). The highest population minor allele frequency in gnomAD v4.1 is 8.474e-7 (1/1180052 alleles) in the European (non-Finnish) genetic ancestry group, which is lower than the ClinGen PD VCEP threshold (<0.0001; PM2_Supporting). In summary this variant meets criteria to be classified as uncertain significance for autosomal recessive Glanzmann Thrombasthenia based on the ACMG/AMP criteria applied, as specified by the ClinGen PD VCEP: PM2_supporting, PP3, PP4_moderate. (VCEP specifications version 2)

Women's Health and Genetics/Laboratory Corporation of America, LabCorp
Classification: Uncertain significance. Last evaluated: 2024-07-11. Review status: criteria provided, single submitter. Criteria: LabCorp Variant Classification Summary - May 2015. Collection method: clinical testing. Allele origin: germline. Not counted in ClinVar's aggregate classification.
Comment: Variant summary: ITGB3 c.1757G>T (p.Cys586Phe) results in a non-conservative amino acid change in the encoded protein sequence. Five of five in-silico tools predict a damaging effect of the variant on protein function. The variant was absent in 251454 control chromosomes (gnomAD). The available data on variant occurrences in the general population are insufficient to allow any conclusion about variant significance. c.1757G>T has been reported in the literature in an individual affected with Glanzmann Thrombasthenia 2 (Ambo_1998). These data do not allow any conclusion about variant significance. This publication also reports experimental evidence evaluating an impact on cell surface expression, however, this does not allow convincing conclusions about the variant effect. The following publication has been ascertained in the context of this evaluation (PMID: 9790984). ClinVar contains an entry for this variant (Variation ID: 1691470). Based on the evidence outlined above, the variant was classified as uncertain significance.

Literature cited by the submitters: PubMed 9790984 (cited by Women's Health and Genetics/Laboratory Corporation of America, LabCorp).

NM_000212.3(ITGB3):c.1757G>T (p.Cys586Phe)

Gene: ITGB3 (integrin subunit beta 3; plus strand). Cytogenetic location: 17q21.32.
Variant type: single nucleotide variant.
Coding change: c.1757G>T on transcript NM_000212.3 (MANE Select); coding-DNA position 1757, G replaced by T.
Protein change: p.Cys586Phe; replaces cysteine 586 with phenylalanine.
Molecular consequence: missense variant.
Genome position (GRCh38, 1-based): chr17:47,299,374, G>T. VCF-style: chr17-47299374-G-T. GRCh37 (hg19) VCF-style: chr17-45376740-G-T.
Other names: NM_000212.3:c.1757G>T; short protein forms C586F.
Identifiers: ClinVar variation 1691470 (VCV001691470.4), dbSNP rs2143129874, ClinGen allele CA400032481.